The following is an entry in ClinVar:

ClinVar aggregate classification (germline): Likely pathogenic (1 of 4 stars; one submission).

Submission:

Labcorp Genetics (formerly Invitae), Labcorp
Classification: Likely pathogenic. Last evaluated: 2021-10-08. Review status: criteria provided, single submitter. Criteria: Invitae Variant Classification Sherloc (09022015). Collection method: clinical testing. Allele origin: germline.
Comment: In summary, the currently available evidence indicates that the variant is pathogenic, but additional data are needed to prove that conclusively. Therefore, this variant has been classified as Likely Pathogenic. This variant disrupts the p.Leu234 amino acid residue in BEST1. Other variant(s) that disrupt this residue have been determined to be pathogenic (Invitae). This suggests that this residue is clinically significant, and that variants that disrupt this residue are likely to be disease-causing. Algorithms developed to predict the effect of sequence changes on RNA splicing suggest that this variant may create or strengthen a splice site. Advanced modeling of protein sequence and biophysical properties (such as structural, functional, and spatial information, amino acid conservation, physicochemical variation, residue mobility, and thermodynamic stability) performed at Invitae indicates that this missense variant is expected to disrupt BEST1 protein function. This missense change has been observed in individual(s) with clinical features of BEST1-related conditions (Invitae). This variant is not present in population databases (ExAC no frequency). This sequence change replaces leucine with glutamine at codon 234 of the BEST1 protein (p.Leu234Gln). The leucine residue is highly conserved and there is a moderate physicochemical difference between leucine and glutamine.

NM_004183.4(BEST1):c.701T>A (p.Leu234Gln)

Gene: BEST1 (bestrophin 1; plus strand). Cytogenetic location: 11q12.3.
Variant type: single nucleotide variant.
Coding change: c.701T>A on transcript NM_004183.4 (MANE Select); coding-DNA position 701, T replaced by A.
Protein change: p.Leu234Gln; replaces leucine 234 with glutamine.
Molecular consequence: missense variant. On other transcripts: non-coding transcript variant (1).
Genome position (GRCh38, 1-based): chr11:61,957,451, T>A. VCF-style: chr11-61957451-T-A. GRCh37 (hg19) VCF-style: chr11-61724923-T-A.
Other names: c.521T>A, p.Leu174Gln (NM_001139443.3, NM_001300786.2, NM_001300787.2); c.383T>A, p.Leu128Gln (NM_001363591.3); c.701T>A, p.Leu234Gln (NM_001363592.2); c.-475T>A (NM_001363593.3); short protein forms L128Q, L174Q, L234Q.
Identifiers: ClinVar variation 1513893 (VCV001513893.6), dbSNP rs1941501578, ClinGen allele CA380838883.